The following is an entry in ClinVar:

NM_022739.4(SMURF2):c.234T>C (p.Ser78=)

Gene: SMURF2 (SMAD specific E3 ubiquitin protein ligase 2; minus strand). Cytogenetic location: 17q23.3.
Variant type: single nucleotide variant.
Coding change: c.234T>C on transcript NM_022739.4 (MANE Select); coding-DNA position 234, T replaced by C.
Protein change: p.Ser78=; no amino-acid change (serine 78 retained).
Molecular consequence: synonymous variant.
Genome position (GRCh38, 1-based): chr17:64,593,540, A>G on the plus strand (T>C on the coding strand, the complement: SMURF2 is on the minus strand). VCF-style: chr17-64593540-A-G. GRCh37 (hg19) VCF-style: chr17-62589658-A-G.
Identifiers: ClinVar variation 3043133 (VCV003043133.2), dbSNP rs373915337, ClinGen allele CA8715207.

ClinVar aggregate classification (germline): Likely benign (0 of 4 stars; one submission).

Conditions:
SMURF2-related disorder. Also called: SMURF2-related condition.

Allele frequency attached by ClinVar (database versions not stated): ESP Exome Variant Server 0.00008; gnomAD 0.00015; 1000 Genomes Project 30x 0.00016; TOPMed 0.00017; 1000 Genomes Project 0.00020; gnomAD exomes 0.00021; ExAC 0.00035.
gnomAD v4.1: 332 of 1,581,324 alleles (0.021%); highest among the groups gnomAD compares: Middle Eastern, 0.46%; 1 homozygote.

Submission:

PreventionGenetics, part of Exact Sciences
Classification: Likely benign for SMURF2-related condition. Last evaluated: 2019-07-10. Review status: no assertion criteria provided. Collection method: clinical testing. Allele origin: germline.
Comment: This variant is classified as likely benign based on ACMG/AMP sequence variant interpretation guidelines (Richards et al. 2015 PMID: 25741868, with internal and published modifications).